The following is an entry in ClinVar:

ClinVar aggregate classification (germline): Conflicting classifications of pathogenicity. Review status: criteria provided, conflicting classifications (1 of 4 stars). 3 submissions from 3 submitters: Likely pathogenic (2); Uncertain significance (1). Last evaluated 2026-05-04.

Conditions:
Hypophosphatasia. Also called: Phosphoethanol-aminuria. Identifiers: Orphanet 436, MedGen C0020630, MeSH D007014, MONDO:0018570.

Allele frequency attached by ClinVar (database versions not stated): gnomAD exomes below 0.00001; ExAC 0.00001; gnomAD 0.00001; TOPMed 0.00001.
gnomAD v4.1: 3 of 1,613,936 alleles (0.00019%); highest among the groups gnomAD compares: African/African-American, 0.0027%; no homozygotes.

Submissions (3):

Myriad Genetics, Inc.
Classification: Uncertain significance for Hypophosphatasia. Last evaluated: 2026-05-04. Review status: criteria provided, single submitter. Criteria: Myriad Autosomal Dominant, Autosomal Recessive and X-Linked Classification Criteria (2023). Collection method: clinical testing. Allele origin: unknown.
Comment: NM_000478.4(ALPL):c.802T>C(F268L) is a missense variant classified as a variant of uncertain significance in the context of hypophosphatasia. F268L has been observed in a case with relevant disease (PMID: 33827627). Relevant functional assessments of this variant are not available in the literature. F268L has been observed in referenced population frequency databases. In summary, there is insufficient evidence to classify NM_000478.4(ALPL):c.802T>C(F268L) as pathogenic or benign. Please note: this variant was assessed in the context of healthy population screening.

Genomenon, Inc
Classification: Likely pathogenic for Hypophosphatasia. Last evaluated: 2025-08-29. Review status: criteria provided, single submitter. Criteria: Genomenon Sequence Variant Interpretation Standards. Collection method: curation. Allele origin: germline. Affected: yes.
Comment: ALPL c.802T>C is a missense variant that changes the amino acid at residue 268 from Phenylalanine to Leucine. This variant has been observed in a proband affected with hypophosphatasia (PMID:33827627). It has been observed in trans with a pathogenic variant (PMID:33827627). It is absent or not present at a significant frequency in gnomAD. In conclusion, we classify ALPL p.Phe268Leu (c.802T>C) as a likely pathogenic variant.

JKU Lab, Dept of Paediatrics, Johannes Kepler University
Classification: Likely pathogenic for Hypophosphatasia. Last evaluated: 2023-04-25. Review status: criteria provided, single submitter. Criteria: ACMG Guidelines, 2015. Collection method: clinical testing. Allele origin: germline. Affected: yes. Observed: 1 compound heterozygote.
Comment: GnomAD frequency 0.00039782%. Functional testing at the JKU lab showed reduced ALP residual activity. The functional test results and ACMG criteria applied can be looked up in the ALPL gene variant database.

Literature cited by the submitters: PubMed 33827627 (cited by 3 submitters).

NM_000478.6(ALPL):c.802T>C (p.Phe268Leu)

Gene: ALPL (alkaline phosphatase, biomineralization associated; plus strand). Cytogenetic location: 1p36.12.
Variant type: single nucleotide variant.
Coding change: c.802T>C on transcript NM_000478.6 (MANE Select); coding-DNA position 802, T replaced by C.
Protein change: p.Phe268Leu; replaces phenylalanine 268 with leucine.
Molecular consequence: missense variant.
Genome position (GRCh38, 1-based): chr1:21,570,314, T>C. VCF-style: chr1-21570314-T-C. GRCh37 (hg19) VCF-style: chr1-21896807-T-C.
Other names: c.637T>C, p.Phe213Leu (NM_001127501.4); c.571T>C, p.Phe191Leu (NM_001177520.3); c.802T>C, p.Phe268Leu (NM_001369803.2, NM_001369804.2, NM_001369805.2); short protein forms F191L, F213L, F268L.
Identifiers: ClinVar variation 2671815 (VCV002671815.3), dbSNP rs751625937, ClinGen allele CA666624.